The following is an entry in ClinVar:

NM_021930.6(RINT1):c.589C>G (p.Leu197Val)

Gene: RINT1 (RAD50 interactor 1; plus strand). Cytogenetic location: 7q22.3.
Variant type: single nucleotide variant.
Coding change: c.589C>G on transcript NM_021930.6 (MANE Select); coding-DNA position 589, C replaced by G.
Protein change: p.Leu197Val; replaces leucine 197 with valine.
Molecular consequence: missense variant. On other transcripts: 5 prime UTR variant (2), non-coding transcript variant (1), intron variant (1).
Genome position (GRCh38, 1-based): chr7:105,546,983, C>G. VCF-style: chr7-105546983-C-G. GRCh37 (hg19) VCF-style: chr7-105187430-C-G.
Other names: c.355C>G, p.Leu119Val (NM_001346599.2); c.-431C>G (NM_001346600.2); c.-334C>G (NM_001346601.2); c.-27-3072C>G (NM_001346603.2); short protein forms L119V, L197V.
Identifiers: ClinVar variation 838364 (VCV000838364.13), dbSNP rs752022019, ClinGen allele CA4426474.

ClinVar aggregate classification (germline): Uncertain significance. Review status: criteria provided, multiple submitters, no conflicts (2 of 4 stars). 2 submissions from 2 submitters: Uncertain significance (2). Last evaluated 2025-02-19.

Allele frequency attached by ClinVar (database versions not stated): gnomAD 0.00001 and 0.00002; ExAC 0.00002; gnomAD exomes 0.00002; TOPMed 0.00002.
gnomAD v4.1: 25 of 1,613,694 alleles (0.0015%); highest among the groups gnomAD compares: Admixed American, 0.0083%; no homozygotes.

Submissions (2):

Ambry Genetics
Classification: Uncertain significance. Last evaluated: 2025-02-19. Review status: criteria provided, single submitter. Criteria: Ambry Variant Classification Scheme 2023. Collection method: clinical testing. Allele origin: germline.
Comment: The p.L197V variant (also known as c.589C>G), located in coding exon 5 of the RINT1 gene, results from a C to G substitution at nucleotide position 589. The leucine at codon 197 is replaced by valine, an amino acid with highly similar properties. This amino acid position is not well conserved in available vertebrate species. In addition, this alteration is predicted to be tolerated by in silico analysis. Since supporting evidence is limited at this time, the clinical significance of this alteration remains unclear.

Labcorp Genetics (formerly Invitae), Labcorp
Classification: Uncertain significance. Last evaluated: 2023-09-17. Review status: criteria provided, single submitter. Criteria: Invitae Variant Classification Sherloc (09022015). Collection method: clinical testing. Allele origin: germline.
Comment: In summary, the available evidence is currently insufficient to determine the role of this variant in disease. Therefore, it has been classified as a Variant of Uncertain Significance. An algorithm developed to predict the effect of missense changes on protein structure and function (PolyPhen-2) suggests that this variant is likely to be tolerated. ClinVar contains an entry for this variant (Variation ID: 838364). This variant has not been reported in the literature in individuals affected with RINT1-related conditions. This variant is present in population databases (rs752022019, gnomAD 0.006%). This sequence change replaces leucine, which is neutral and non-polar, with valine, which is neutral and non-polar, at codon 197 of the RINT1 protein (p.Leu197Val).